The following is an entry in ClinVar:

NM_000222.3(KIT):c.*149C>T

Gene: KIT (KIT proto-oncogene, receptor tyrosine kinase; plus strand). Cytogenetic location: 4q12.
Variant type: single nucleotide variant.
Coding change: c.*149C>T on transcript NM_000222.3 (MANE Select); 149 bases downstream of the stop codon, C replaced by T.
Molecular consequence: 3 prime UTR variant.
Genome position (GRCh38, 1-based): chr4:54,738,706, C>T. VCF-style: chr4-54738706-C-T. GRCh37 (hg19) VCF-style: chr4-55604872-C-T.
Other names: c.*149C>T (NM_001093772.2, NM_001385284.1, NM_001385285.1 and 4 more transcripts).
Identifiers: ClinVar variation 348957 (VCV000348957.7), dbSNP rs2213181, ClinGen allele CA10618852.

ClinVar aggregate classification (germline): Benign. Review status: criteria provided, multiple submitters, no conflicts (2 of 4 stars). 5 submissions from 3 submitters: Benign (5). Last evaluated 2018-06-22.

Conditions:
Mastocytosis. Also called: Mast Cell Disease. Identifiers: Orphanet 98292, MedGen C0024899, MONDO:0007950, HP:0100495.
Gastrointestinal stromal tumor. Also called: Gastrointestinal stromal tumor, somatic; Gastrointestinal stroma tumor. Identifiers: Orphanet 44890, MedGen C0238198, MeSH D046152, MONDO:0011719, OMIM 606764, HP:0100723.
Piebaldism. Also called: Piebald skin depigmentation. Identifiers: Orphanet 2884, MedGen C0080024, MONDO:0008244, OMIM 172800, HP:0007544.

Allele frequency attached by ClinVar (database versions not stated): TOPMed 0.10117; gnomAD 0.11143 and 0.11279; 1000 Genomes Project 30x 0.11758; 1000 Genomes Project 0.12061.

Submissions (5):

GeneDx
Classification: Benign. Last evaluated: 2018-06-22. Review status: criteria provided, single submitter. Criteria: GeneDx Variant Classification Process June 2021. Collection method: clinical testing. Allele origin: germline. Affected: yes.

Illumina Laboratory Services, Illumina
Classification: Benign for Cutaneous mastocytosis. Last evaluated: 2018-01-13. Review status: criteria provided, single submitter. Criteria: ICSL Variant Classification Criteria 13 December 2019. Collection method: clinical testing. Allele origin: germline.
Comment: This variant was observed in the ICSL laboratory as part of a predisposition screen in an ostensibly healthy population. It had not been previously curated by ICSL or reported in the Human Gene Mutation Database (HGMD: prior to June 1st, 2018), and was therefore a candidate for classification through an automated scoring system. Utilizing variant allele frequency, disease prevalence and penetrance estimates, and inheritance mode, an automated score was calculated to assess if this variant is too frequent to cause the disease. Based on the score and internal cut-off values, a variant classified as benign is not then subjected to further curation. The score for this variant resulted in a classification of benign for this disease.

Illumina Laboratory Services, Illumina
Classification: Benign for Gastrointestinal stromal tumor. Last evaluated: 2018-01-13. Review status: criteria provided, single submitter. Criteria: ICSL Variant Classification Criteria 13 December 2019. Collection method: clinical testing. Allele origin: germline.
Comment: the same text as in the submission from Illumina Laboratory Services, Illumina above.

Illumina Laboratory Services, Illumina
Classification: Benign for Piebaldism. Last evaluated: 2018-01-13. Review status: criteria provided, single submitter. Criteria: ICSL Variant Classification Criteria 13 December 2019. Collection method: clinical testing. Allele origin: germline.
Comment: the same text as in the submission from Illumina Laboratory Services, Illumina above.

Breakthrough Genomics
Classification: Benign. Review status: criteria provided, single submitter. Criteria: ACMG Guidelines, 2015. Collection method: not provided. Allele origin: germline. Inheritance: Autosomal dominant inheritance. Affected: yes.